The following is an entry in ClinVar:

ClinVar aggregate classification (germline): Pathogenic (3 of 4 stars; one submission).

Conditions:
Phenylketonuria (PKU). Also called: Phenylketonurias; OLIGOPHRENIA PHENYLPYRUVICA; FOLLING DISEASE; Phenylketonuria (PKU). Identifiers: Orphanet 716, MedGen C0031485, MONDO:0009861, OMIM 261600. Disease mechanism: loss of function.

gnomAD v4.1: 1 of 1,613,600 alleles (0.000062%); highest among the groups gnomAD compares: Non-Finnish European, 0.000085%; no homozygotes.

Submission:

ClinGen PAH Variant Curation Expert Panel
Classification: Pathogenic for Phenylketonuria. Last evaluated: 2022-12-09. Review status: reviewed by expert panel. Criteria: ClinGen PAH ACMG Specifications v1. Collection method: curation. Allele origin: germline. Inheritance: Autosomal recessive inheritance.
Comment: The c.1199+1G>T variant in exon 11 of PAH disrupts a canonical splice donor site. It is predicted to cause skipping of biologically-relevant-exon 11/13, resulting in a frameshift leading to nonsense mediated decay (PVS1). At least one patient (PMID: 31623983) with this variant had classic PKU with a serum phenylalanine level >1200uM (PP4). This patient is compound heterozygous for c.1199+1G>T and Arg408Trp (ClinVar 577, classified Pathogenic by the PAH VCEP) without confirmation of phase (PM3_supporting). This variant is absent from gnomAD v2.1.1 (PM2). In summary, this variant meets the criteria to be classified as pathogenic for autosomal recessive phenylketonuria based on the ACMG/AMP criteria applied, as specified by the ClinGen PAH VCEP: PVS1, PP4, PM3, PM2. (PAH VCEP specifications version 1).

NM_000277.3(PAH):c.1199+1G>T

Gene: PAH (phenylalanine hydroxylase; minus strand). Cytogenetic location: 12q23.2.
Variant type: single nucleotide variant.
Coding change: c.1199+1G>T on transcript NM_000277.3 (MANE Select); the canonical splice donor site of the intron after coding-DNA position 1199, G replaced by T.
Molecular consequence: splice donor variant.
Genome position (GRCh38, 1-based): chr12:102,843,645, C>A on the plus strand (G>T on the coding strand, the complement: PAH is on the minus strand). VCF-style: chr12-102843645-C-A. GRCh37 (hg19) VCF-style: chr12-103237423-C-A.
Other names: NM_001354304.2:c.1199+1G>T; c.1199+1G>T (NM_001354304.2).
Identifiers: ClinVar variation 1810393 (VCV001810393.1), dbSNP rs62509015, ClinGen allele CA16020960.